The following is an entry in ClinVar:

ClinVar aggregate classification (germline): Pathogenic (1 of 4 stars; one submission).

Allele frequency attached by ClinVar (database versions not stated): ExAC 0.00001; gnomAD exomes 0.00001; TOPMed 0.00002.

Submission:

Labcorp Genetics (formerly Invitae), Labcorp
Classification: Pathogenic. Last evaluated: 2022-11-24. Review status: criteria provided, single submitter. Criteria: Invitae Variant Classification Sherloc (09022015). Collection method: clinical testing. Allele origin: germline.
Comment: For these reasons, this variant has been classified as Pathogenic. This variant has not been reported in the literature in individuals affected with SLC39A4-related conditions. The frequency data for this variant in the population databases is considered unreliable, as metrics indicate poor data quality at this position in the gnomAD database. This sequence change creates a premature translational stop signal (p.Gln148*) in the SLC39A4 gene. It is expected to result in an absent or disrupted protein product. Loss-of-function variants in SLC39A4 are known to be pathogenic (PMID: 12955721).

Literature cited by the submitters: PubMed 12955721.

NM_130849.4(SLC39A4):c.442C>T (p.Gln148Ter)

Gene: SLC39A4 (solute carrier family 39 member 4; minus strand). Cytogenetic location: 8q24.3.
Variant type: single nucleotide variant.
Coding change: c.442C>T on transcript NM_130849.4 (MANE Select); coding-DNA position 442, C replaced by T.
Protein change: p.Gln148Ter; replaces glutamine 148 with a stop codon.
Molecular consequence: nonsense. On other transcripts: intron variant (1).
Genome position (GRCh38, 1-based): chr8:144,415,842, G>A on the plus strand (C>T on the coding strand, the complement: SLC39A4 is on the minus strand). VCF-style: chr8-144415842-G-A. GRCh37 (hg19) VCF-style: chr8-145641226-G-A.
Other names: c.367C>T, p.Gln123Ter (NM_017767.3); c.193-423C>T (NM_001374839.1); short protein forms Q123*, Q148*.
Identifiers: ClinVar variation 2986121 (VCV002986121.3), dbSNP rs781975172, ClinGen allele CA4941712.